The following is an entry in ClinVar:

NM_001370466.1(NOD2):c.2434G>T (p.Ala812Ser)

Gene: NOD2 (nucleotide binding oligomerization domain containing 2; plus strand). Cytogenetic location: 16q12.1.
Variant type: single nucleotide variant.
Coding change: c.2434G>T on transcript NM_001370466.1 (MANE Select); coding-DNA position 2434, G replaced by T.
Protein change: p.Ala812Ser; replaces alanine 812 with serine.
Molecular consequence: missense variant. On other transcripts: non-coding transcript variant (1).
Genome position (GRCh38, 1-based): chr16:50,716,639, G>T. VCF-style: chr16-50716639-G-T. GRCh37 (hg19) VCF-style: chr16-50750550-G-T.
Other names: c.2434G>T, p.Ala812Ser (NM_001293557.2); c.2515G>T, p.Ala839Ser (NM_022162.3); short protein forms A839S, A812S.
Identifiers: ClinVar variation 837470 (VCV000837470.4), dbSNP rs757680896, ClinGen allele CA8051810.

ClinVar aggregate classification (germline): Uncertain significance (1 of 4 stars; one submission).

Conditions:
Regional enteritis. Also called: Enteritis, Granulomatous. Identifiers: MedGen C0678202, MeSH D003424.
Blau syndrome (BLAUS). Also called: GRANULOMATOSIS, FAMILIAL JUVENILE SYSTEMIC; GRANULOMATOSIS, FAMILIAL, BLAU TYPE; GRANULOMATOUS INFLAMMATORY ARTHRITIS, DERMATITIS, AND UVEITIS, FAMILIAL; JABS SYNDROME; ARTHROCUTANEOUVEAL GRANULOMATOSIS. Identifiers: Orphanet 90340, MedGen C5201146, MONDO:0008523, OMIM 186580.

Allele frequency attached by ClinVar (database versions not stated): gnomAD exomes below 0.00001; ExAC 0.00001; gnomAD 0.00001; TOPMed 0.00001.
gnomAD v4.1: 7 of 1,614,072 alleles (0.00043%); highest among the groups gnomAD compares: Non-Finnish European, 0.00059%; no homozygotes.

Submission:

Labcorp Genetics (formerly Invitae), Labcorp
Classification: Uncertain significance for Regional enteritis; Blau syndrome. Last evaluated: 2025-02-17. Review status: criteria provided, single submitter. Criteria: Invitae Variant Classification Sherloc (09022015). Collection method: clinical testing. Allele origin: germline.
Comment: This sequence change replaces alanine, which is neutral and non-polar, with serine, which is neutral and polar, at codon 839 of the NOD2 protein (p.Ala839Ser). This variant is present in population databases (rs757680896, gnomAD 0.002%). This variant has not been reported in the literature in individuals affected with NOD2-related conditions. ClinVar contains an entry for this variant (Variation ID: 837470). Invitae Evidence Modeling of protein sequence and biophysical properties (such as structural, functional, and spatial information, amino acid conservation, physicochemical variation, residue mobility, and thermodynamic stability) has been performed for this missense variant. However, the output from this modeling did not meet the statistical confidence thresholds required to predict the impact of this variant on NOD2 protein function. In summary, the available evidence is currently insufficient to determine the role of this variant in disease. Therefore, it has been classified as a Variant of Uncertain Significance.